The following is an entry in ClinVar:

NM_001330360.2(POLA1):c.618G>A (p.Thr206=)

Gene: POLA1 (DNA polymerase alpha 1, catalytic subunit; plus strand). Cytogenetic location: Xp22.11.
Variant type: single nucleotide variant.
Coding change: c.618G>A on transcript NM_001330360.2 (MANE Select); coding-DNA position 618, G replaced by A.
Protein change: p.Thr206=; no amino-acid change (threonine 206 retained).
Molecular consequence: synonymous variant. On other transcripts: non-coding transcript variant (2).
Genome position (GRCh38, 1-based): chrX:24,716,454, G>A. VCF-style: chrX-24716454-G-A. GRCh37 (hg19) VCF-style: chrX-24734571-G-A.
Other names: c.618G>A, p.Thr206= (NM_001378303.1); c.600G>A, p.Thr200= (NM_016937.4).
Identifiers: ClinVar variation 3646791 (VCV003646791.2).

ClinVar aggregate classification (germline): Uncertain significance (1 of 4 stars; one submission).

Submission:

Labcorp Genetics (formerly Invitae), Labcorp
Classification: Uncertain significance. Last evaluated: 2024-04-01. Review status: criteria provided, single submitter. Criteria: Invitae Variant Classification Sherloc (09022015). Collection method: clinical testing. Allele origin: germline.
Comment: This sequence change affects codon 200 of the POLA1 mRNA. It is a 'silent' change, meaning that it does not change the encoded amino acid sequence of the POLA1 protein. This variant also falls at the last nucleotide of exon 7, which is part of the consensus splice site for this exon. This variant is not present in population databases (gnomAD no frequency). This variant has not been reported in the literature in individuals affected with POLA1-related conditions. Variants that disrupt the consensus splice site are a relatively common cause of aberrant splicing (PMID: 17576681, 9536098). Algorithms developed to predict the effect of sequence changes on RNA splicing suggest that this variant may disrupt the consensus splice site. In summary, the available evidence is currently insufficient to determine the role of this variant in disease. Therefore, it has been classified as a Variant of Uncertain Significance.

Literature cited by the submitters: PubMed 17576681; PubMed 9536098.